The following is an entry in ClinVar:

ClinVar aggregate classification (germline): Pathogenic (1 of 4 stars; one submission).

Submission:

Labcorp Genetics (formerly Invitae), Labcorp
Classification: Pathogenic. Last evaluated: 2024-03-04. Review status: criteria provided, single submitter. Criteria: Invitae Variant Classification Sherloc (09022015). Collection method: clinical testing. Allele origin: germline.
Comment: This sequence change creates a premature translational stop signal (p.Leu279*) in the C8A gene. It is expected to result in an absent or disrupted protein product. Loss-of-function variants in C8A are known to be pathogenic (PMID: 9759902). This variant is not present in population databases (gnomAD no frequency). This variant has not been reported in the literature in individuals affected with C8A-related conditions. For these reasons, this variant has been classified as Pathogenic.

Literature cited by the submitters: PubMed 9759902.

NM_000562.3(C8A):c.836T>G (p.Leu279Ter)

Gene: C8A (complement C8 alpha chain; plus strand). Cytogenetic location: 1p32.2.
Variant type: single nucleotide variant.
Coding change: c.836T>G on transcript NM_000562.3 (MANE Select); coding-DNA position 836, T replaced by G.
Protein change: p.Leu279Ter; replaces leucine 279 with a stop codon.
Molecular consequence: nonsense.
Genome position (GRCh38, 1-based): chr1:56,883,662, T>G. VCF-style: chr1-56883662-T-G. GRCh37 (hg19) VCF-style: chr1-57349335-T-G.
Other names: short protein forms L279*.
Identifiers: ClinVar variation 3687350 (VCV003687350.2).